The following is an entry in ClinVar:

NM_006506.5(RASA2):c.296T>C (p.Phe99Ser)

Gene: RASA2 (RAS p21 protein activator 2; plus strand). Cytogenetic location: 3q23.
Variant type: single nucleotide variant.
Coding change: c.296T>C on transcript NM_006506.5 (MANE Select); coding-DNA position 296, T replaced by C.
Protein change: p.Phe99Ser; replaces phenylalanine 99 with serine.
Molecular consequence: missense variant.
Genome position (GRCh38, 1-based): chr3:141,516,372, T>C. VCF-style: chr3-141516372-T-C. GRCh37 (hg19) VCF-style: chr3-141235214-T-C.
Other names: c.296T>C, p.Phe99Ser (NM_001303245.3, NM_001303246.3); short protein forms F99S.
Identifiers: ClinVar variation 2562702 (VCV002562702.2), dbSNP rs1489176259, ClinGen allele CA354780906.
Genomic context (GRCh38, chr3:141,516,372, plus strand): 5'-TTCCTTTTCTTTCTAGCCCATTTTTCAGTGAAGAATTTTACTTTGAGATTCCAAGAACTT[T>C]CCAGTATTTGTCTTTCTATGTTTATGATAAGAATGTTTTACAAAGAGATCTCCGTATAGG-3'
Protein context (NP_006497.2, residues 89-109): EEFYFEIPRT[Phe99Ser]QYLSFYVYDK

ClinVar aggregate classification (germline): Uncertain significance (1 of 4 stars; one submission).

Allele frequency attached by ClinVar (database versions not stated): TOPMed below 0.00001; gnomAD 0.00001.

Submission:

Ambry Genetics
Classification: Uncertain significance. Last evaluated: 2023-06-03. Review status: criteria provided, single submitter. Criteria: Ambry Variant Classification Scheme 2023. Collection method: clinical testing. Allele origin: germline.
Comment: The p.F99S variant (also known as c.296T>C), located in coding exon 3 of the RASA2 gene, results from a T to C substitution at nucleotide position 296. The phenylalanine at codon 99 is replaced by serine, an amino acid with highly dissimilar properties. This amino acid position is conserved. In addition, this alteration is predicted to be deleterious by in silico analysis. Since supporting evidence is limited at this time, the clinical significance of this alteration remains unclear.